The following is an entry in ClinVar:

NM_000218.3(KCNQ1):c.1393+25830A>G

Genes: KCNQ1 (potassium voltage-gated channel subfamily Q member 1; plus strand), KCNQ1OT1 (KCNQ1 opposite strand/antisense transcript 1; minus strand). Cytogenetic location: 11p15.5.
Variant type: single nucleotide variant.
Coding change: c.1393+25830A>G on transcript NM_000218.3 (MANE Select); 25830 bases into the intron after coding-DNA position 1393, A replaced by G.
Molecular consequence: intron variant. On other transcripts: non-coding transcript variant (1).
Genome position (GRCh38, 1-based): chr11:2,614,684, A>G. VCF-style: chr11-2614684-A-G. GRCh37 (hg19) VCF-style: chr11-2635914-A-G.
Other names: c.1123+25830A>G (NM_001406837.1); c.1297+25830A>G (NM_001406836.1); c.853+25830A>G (NM_001406838.1); c.1012+25830A>G (NM_181798.2).
Identifiers: ClinVar variation 2672440 (VCV002672440.23), dbSNP rs1005199198, ClinGen allele CA216358954.

ClinVar aggregate classification (germline): Benign (1 of 4 stars; one submission).

Allele frequency attached by ClinVar (database versions not stated): gnomAD 0.00003; TOPMed 0.00006; gnomAD exomes 0.00007.
gnomAD v4.1: 28 of 398,342 alleles (0.007%); highest among the groups gnomAD compares: Non-Finnish European, 0.0075%; no homozygotes.

Submission:

CeGaT Center for Human Genetics Tuebingen
Classification: Benign. Last evaluated: 2026-03-01. Review status: criteria provided, single submitter. Criteria: CeGaT Center For Human Genetics Tuebingen Variant Classification Criteria Version 2. Collection method: clinical testing. Allele origin: germline. Affected: yes. Observed: 3 variant alleles.
Comment: KCNQ1OT1: BS1, BS2